The following is an entry in ClinVar:

ClinVar aggregate classification (germline): Uncertain significance (1 of 4 stars; one submission).

Conditions:
Hereditary pheochromocytoma and paraganglioma. Also called: Hereditary pheochromocytoma-paraganglioma; Hereditary paragangliomas and pheochromocytomas; Hereditary Paraganglioma-Pheochromocytoma Syndromes. Identifiers: Orphanet 29072, MedGen C4274332, MONDO:0017366.

Submission:

Labcorp Genetics (formerly Invitae), Labcorp
Classification: Uncertain significance for Hereditary pheochromocytoma and paraganglioma. Last evaluated: 2022-10-01. Review status: criteria provided, single submitter. Criteria: Invitae Variant Classification Sherloc (09022015). Collection method: clinical testing. Allele origin: germline.
Comment: This variant results in a copy number gain of the genomic region encompassing exon(s) 2-4 of the SDHAF2 gene. This region includes the termination codon of the gene. This copy number gain extends beyond the assayed region for this gene and therefore may encompass additional genes. As the precise location of this event is unknown, it may be in tandem or it may be located elsewhere in the genome. This variant has not been reported in the literature in individuals affected with SDHAF2-related conditions. In summary, the available evidence is currently insufficient to determine the role of this variant in disease. Therefore, it has been classified as a Variant of Uncertain Significance.

NC_000011.10:g.(?_61437615)_(61446071_?)dup

Gene: SDHAF2 (succinate dehydrogenase complex assembly factor 2; plus strand). Cytogenetic location: 11q12.2.
Variant type: Duplication.
Identifiers: ClinVar variation 832514 (VCV000832514.5).